The following is an entry in ClinVar:

NM_001048174.2(MUTYH):c.283C>G (p.Leu95Val)

Gene: MUTYH (mutY DNA glycosylase; minus strand). Cytogenetic location: 1p34.1.
Variant type: single nucleotide variant.
Coding change: c.283C>G on transcript NM_001048174.2 (MANE Select); coding-DNA position 283, C replaced by G.
Protein change: p.Leu95Val; replaces leucine 95 with valine.
Molecular consequence: missense variant. On other transcripts: synonymous variant (2), non-coding transcript variant (2).
Genome position (GRCh38, 1-based): chr1:45,333,306, G>C on the plus strand (C>G on the coding strand, the complement: MUTYH is on the minus strand). VCF-style: chr1-45333306-G-C. GRCh37 (hg19) VCF-style: chr1-45798978-G-C.
Other names: c.283C>G, p.Leu95Val (NM_001048171.2, NM_001048173.2, NM_001293195.2); c.286C>G, p.Leu96Val (NM_001048172.2); c.367C>G, p.Leu123Val (NM_001128425.2); c.328C>G, p.Leu110Val (NM_001293190.2); c.316C>G, p.Leu106Val (NM_001293191.2); c.7C>G, p.Leu3Val (NM_001293192.2, NM_001293196.2); c.12C>G, p.Thr4= (NM_001350650.2, NM_001350651.2); c.358C>G, p.Leu120Val (NM_012222.3); short protein forms L120V, L95V, L96V, L106V, L110V, L123V, L3V.
Identifiers: ClinVar variation 923463 (VCV000923463.5), dbSNP rs764221826, ClinGen allele CA340136270.

ClinVar aggregate classification (germline): Uncertain significance. Review status: criteria provided, multiple submitters, no conflicts (2 of 4 stars). 2 submissions from 2 submitters: Uncertain significance (2). Last evaluated 2025-08-27.

Conditions:
Hereditary cancer-predisposing syndrome. Also called: Neoplastic Syndromes, Hereditary; Tumor predisposition; Hereditary Cancer Syndrome; Hereditary neoplastic syndrome. Identifiers: Orphanet 140162, MedGen C0027672, MeSH D009386, MONDO:0015356.

Submissions (2):

Ambry Genetics
Classification: Uncertain significance for Hereditary cancer-predisposing syndrome. Last evaluated: 2025-08-27. Review status: criteria provided, single submitter. Criteria: Ambry Variant Classification Scheme 2023. Collection method: clinical testing. Allele origin: germline.
Comment: The p.L123V variant (also known as c.367C>G), located in coding exon 4 of the MUTYH gene, results from a C to G substitution at nucleotide position 367. The leucine at codon 123 is replaced by valine, an amino acid with highly similar properties. This amino acid position is conserved. In addition, this alteration is predicted to be tolerated by in silico analysis. Based on the available evidence, the clinical significance of this variant remains unclear.

Color Diagnostics, LLC DBA Color Health
Classification: Uncertain significance for Hereditary cancer-predisposing syndrome. Last evaluated: 2024-03-07. Review status: criteria provided, single submitter. Criteria: ACMG Guidelines, 2015. Collection method: clinical testing. Allele origin: germline.
Comment: This missense variant replaces leucine with valine at codon 123 of the MUTYH protein. Computational prediction tool suggests that this variant may not impact protein structure and function (internally defined REVEL score threshold <=0.5, PMID: 27666373). Splice site prediction tools suggest that this variant may not impact RNA splicing. To our knowledge, functional studies have not been performed for this variant. This variant has not been reported in individuals affected with hereditary cancer in the literature. This variant has not been identified in the general population by the Genome Aggregation Database (gnomAD). The available evidence is insufficient to determine the role of this variant in disease conclusively. Therefore, this variant is classified as a Variant of Uncertain Significance.